The following is an entry in ClinVar:

NM_000215.4(JAK3):c.2055C>A (p.Thr685=)

Gene: JAK3 (Janus kinase 3; minus strand). Cytogenetic location: 19p13.11.
Variant type: single nucleotide variant.
Coding change: c.2055C>A on transcript NM_000215.4 (MANE Select); coding-DNA position 2055, C replaced by A.
Protein change: p.Thr685=; no amino-acid change (threonine 685 retained).
Molecular consequence: synonymous variant.
Genome position (GRCh38, 1-based): chr19:17,834,996, G>T on the plus strand (C>A on the coding strand, the complement: JAK3 is on the minus strand). VCF-style: chr19-17834996-G-T. GRCh37 (hg19) VCF-style: chr19-17945805-G-T.
Identifiers: ClinVar variation 2024126 (VCV002024126.4), dbSNP rs745486642, ClinGen allele CA506105652.

ClinVar aggregate classification (germline): Uncertain significance (1 of 4 stars; one submission).

Conditions:
T-B+ severe combined immunodeficiency due to JAK3 deficiency. Also called: SCID, autosomal recessive, T-negative/B-positive type; SCID, T CELL-NEGATIVE, B CELL-POSITIVE, NK CELL-NEGATIVE. Identifiers: Orphanet 35078, MedGen C1833275, MONDO:0010938, OMIM 600802.

Submission:

Labcorp Genetics (formerly Invitae), Labcorp
Classification: Uncertain significance for T-B+ severe combined immunodeficiency due to JAK3 deficiency. Last evaluated: 2022-08-13. Review status: criteria provided, single submitter. Criteria: Invitae Variant Classification Sherloc (09022015). Collection method: clinical testing. Allele origin: germline.
Comment: In summary, the available evidence is currently insufficient to determine the role of this variant in disease. Therefore, it has been classified as a Variant of Uncertain Significance. Algorithms developed to predict the effect of sequence changes on RNA splicing suggest that this variant may create or strengthen a splice site. This variant has not been reported in the literature in individuals affected with JAK3-related conditions. This variant is not present in population databases (gnomAD no frequency). This sequence change affects codon 685 of the JAK3 mRNA. It is a 'silent' change, meaning that it does not change the encoded amino acid sequence of the JAK3 protein.